The following is an entry in ClinVar:

ClinVar aggregate classification (germline): Uncertain significance (1 of 4 stars; one submission).

Conditions:
Cardiovascular phenotype. Identifiers: MedGen CN230736.

gnomAD v4.1: 1 of 1,587,622 alleles (0.000063%); highest among the groups gnomAD compares: South Asian, 0.0011%; no homozygotes.

Submission:

Ambry Genetics
Classification: Uncertain significance for Cardiovascular phenotype. Last evaluated: 2024-10-27. Review status: criteria provided, single submitter. Criteria: Ambry Variant Classification Scheme 2023. Collection method: clinical testing. Allele origin: germline.
Comment: The p.H6R variant (also known as c.17A>G), located in coding exon 1 of the CRYAB gene, results from an A to G substitution at nucleotide position 17. The histidine at codon 6 is replaced by arginine, an amino acid with highly similar properties. This amino acid position is conserved. In addition, the in silico prediction for this alteration is inconclusive. Based on the available evidence, the clinical significance of this variant remains unclear.

NM_001289808.2(CRYAB):c.17A>G (p.His6Arg)

Gene: CRYAB (crystallin alpha B; minus strand). Cytogenetic location: 11q23.1.
Variant type: single nucleotide variant.
Coding change: c.17A>G on transcript NM_001289808.2 (MANE Select); coding-DNA position 17, A replaced by G.
Protein change: p.His6Arg; replaces histidine 6 with arginine.
Molecular consequence: missense variant.
Genome position (GRCh38, 1-based): chr11:111,911,708, T>C on the plus strand (A>G on the coding strand, the complement: CRYAB is on the minus strand). VCF-style: chr11-111911708-T-C. GRCh37 (hg19) VCF-style: chr11-111782432-T-C.
Other names: c.17A>G, p.His6Arg (NM_001289807.1, NM_001368245.1, NM_001885.3); short protein forms H6R.
Identifiers: ClinVar variation 3497349 (VCV003497349.1).